The following is an entry in ClinVar:

ClinVar aggregate classification (germline): Uncertain significance (1 of 4 stars; one submission).

Conditions:
Facioscapulohumeral muscular dystrophy 2 (FSHD2). Also called: FACIOSCAPULOHUMERAL MUSCULAR DYSTROPHY 2, DIGENIC; FSHD2, DIGENIC; MUSCULAR DYSTROPHY, FACIOSCAPULOHUMERAL, TYPE 1B. Identifiers: Orphanet 269, MedGen C1834671, MONDO:0008031, OMIM 158901.

Allele frequency attached by ClinVar (database versions not stated): gnomAD exomes below 0.00001; ExAC 0.00001; TOPMed 0.00003; gnomAD 0.00005.
gnomAD v4.1: 9 of 1,608,918 alleles (0.00056%); highest among the groups gnomAD compares: African/African-American, 0.012%; no homozygotes.

Submission:

Labcorp Genetics (formerly Invitae), Labcorp
Classification: Uncertain significance for Facioscapulohumeral muscular dystrophy 2. Last evaluated: 2022-12-10. Review status: criteria provided, single submitter. Criteria: Invitae Variant Classification Sherloc (09022015). Collection method: clinical testing. Allele origin: germline.
Comment: In summary, the available evidence is currently insufficient to determine the role of this variant in disease. Therefore, it has been classified as a Variant of Uncertain Significance. Advanced modeling of protein sequence and biophysical properties (such as structural, functional, and spatial information, amino acid conservation, physicochemical variation, residue mobility, and thermodynamic stability) performed at Invitae indicates that this missense variant is not expected to disrupt SMCHD1 protein function. This variant has not been reported in the literature in individuals affected with SMCHD1-related conditions. This variant is present in population databases (rs772726057, gnomAD 0.007%). This sequence change replaces valine, which is neutral and non-polar, with isoleucine, which is neutral and non-polar, at codon 1283 of the SMCHD1 protein (p.Val1283Ile).

NM_015295.3(SMCHD1):c.3847G>A (p.Val1283Ile)

Gene: SMCHD1 (structural maintenance of chromosomes flexible hinge domain containing 1; plus strand). Cytogenetic location: 18p11.32.
Variant type: single nucleotide variant.
Coding change: c.3847G>A on transcript NM_015295.3 (MANE Select); coding-DNA position 3847, G replaced by A.
Protein change: p.Val1283Ile; replaces valine 1283 with isoleucine.
Molecular consequence: missense variant.
Genome position (GRCh38, 1-based): chr18:2,747,567, G>A. VCF-style: chr18-2747567-G-A. GRCh37 (hg19) VCF-style: chr18-2747565-G-A.
Other names: short protein forms V1283I.
Identifiers: ClinVar variation 3022294 (VCV003022294.3), dbSNP rs772726057, ClinGen allele CA8871325.
Genomic context (GRCh38, chr18:2,747,567, plus strand): 5'-TTCTATTCTTTTCAGTCCATTCCAGTGATTAATGGAAGAGATTTACAGAACCCTATTATT[G>A]TTCAACTTTGTGATCAGTGGGATAATCCAGCACCGGTACAACATGTTAAAATAAGTCTTA-3'
Protein context (NP_056110.2, residues 1273-1293): NGRDLQNPII[Val1283Ile]QLCDQWDNPA